The following is an entry in ClinVar:

NM_014855.3(AP5Z1):c.1345G>A (p.Glu449Lys)

Gene: AP5Z1 (adaptor related protein complex 5 subunit zeta 1; plus strand). Cytogenetic location: 7p22.1.
Variant type: single nucleotide variant.
Coding change: c.1345G>A on transcript NM_014855.3 (MANE Select); coding-DNA position 1345, G replaced by A.
Protein change: p.Glu449Lys; replaces glutamic acid 449 with lysine.
Molecular consequence: missense variant. On other transcripts: non-coding transcript variant (1).
Genome position (GRCh38, 1-based): chr7:4,787,667, G>A. VCF-style: chr7-4787667-G-A. GRCh37 (hg19) VCF-style: chr7-4827298-G-A.
Other names: c.1345G>A (NM_014855.2); c.877G>A, p.Glu293Lys (NM_001364858.1); short protein forms E449K, E293K.
Identifiers: ClinVar variation 2108430 (VCV002108430.2), dbSNP rs370338603, ClinGen allele CA4137769.

ClinVar aggregate classification (germline): Uncertain significance. Review status: criteria provided, multiple submitters, no conflicts (2 of 4 stars). 2 submissions from 2 submitters: Uncertain significance (2). Last evaluated 2025-08-31.

Conditions:
Inborn genetic diseases. Identifiers: MedGen C0950123, MeSH D030342.
Hereditary spastic paraplegia 48. Also called: Spastic paraplegia 48; SPASTIC PARAPLEGIA 48, AUTOSOMAL RECESSIVE. Identifiers: Orphanet 306511, MedGen C3150901, MONDO:0013342, OMIM 613647.

Allele frequency attached by ClinVar (database versions not stated): ExAC 0.00010; gnomAD 0.00011; TOPMed 0.00012; gnomAD exomes 0.00016; ESP Exome Variant Server 0.00024.
gnomAD v4.1: 240 of 1,552,964 alleles (0.015%); highest among the groups gnomAD compares: Non-Finnish European, 0.02%; no homozygotes.

Submissions (2):

Ambry Genetics
Classification: Uncertain significance for Inborn genetic diseases. Last evaluated: 2025-08-31. Review status: criteria provided, single submitter. Criteria: Ambry Variant Classification Scheme 2023. Collection method: clinical testing. Allele origin: germline.

Labcorp Genetics (formerly Invitae), Labcorp
Classification: Uncertain significance for Hereditary spastic paraplegia 48. Last evaluated: 2022-10-05. Review status: criteria provided, single submitter. Criteria: Invitae Variant Classification Sherloc (09022015). Collection method: clinical testing. Allele origin: germline.
Comment: This sequence change replaces glutamic acid, which is acidic and polar, with lysine, which is basic and polar, at codon 449 of the AP5Z1 protein (p.Glu449Lys). This variant is present in population databases (rs370338603, gnomAD 0.01%). This variant has not been reported in the literature in individuals affected with AP5Z1-related conditions. Advanced modeling of protein sequence and biophysical properties (such as structural, functional, and spatial information, amino acid conservation, physicochemical variation, residue mobility, and thermodynamic stability) has been performed at Invitae for this missense variant, however the output from this modeling did not meet the statistical confidence thresholds required to predict the impact of this variant on AP5Z1 protein function. In summary, the available evidence is currently insufficient to determine the role of this variant in disease. Therefore, it has been classified as a Variant of Uncertain Significance.